The following is an entry in ClinVar:

NM_002055.5(GFAP):c.1252G>A (p.Gly418Arg)

Gene: GFAP (glial fibrillary acidic protein; minus strand). Cytogenetic location: 17q21.31.
Variant type: single nucleotide variant.
Coding change: c.1252G>A on transcript NM_002055.5 (MANE Select); coding-DNA position 1252, G replaced by A.
Protein change: p.Gly418Arg; replaces glycine 418 with arginine.
Molecular consequence: missense variant.
Genome position (GRCh38, 1-based): chr17:44,908,069, C>T on the plus strand (G>A on the coding strand, the complement: GFAP is on the minus strand). VCF-style: chr17-44908069-C-T. GRCh37 (hg19) VCF-style: chr17-42985437-C-T.
Other names: c.1372G>A, p.Gly458Arg (NM_001363846.2); short protein forms G418R, G458R.
Identifiers: ClinVar variation 1310513 (VCV001310513.2), dbSNP rs2145626273, ClinGen allele CA399838771.

ClinVar aggregate classification (germline): Uncertain significance (1 of 4 stars; one submission).

Allele frequency attached by ClinVar (database versions not stated): gnomAD exomes below 0.00001.

Submission:

GeneDx
Classification: Uncertain significance. Last evaluated: 2021-05-11. Review status: criteria provided, single submitter. Criteria: GeneDx Variant Classification Process June 2021. Collection method: clinical testing. Allele origin: germline. Affected: yes.
Comment: Not observed in large population cohorts (Lek et al., 2016); In silico analysis, which includes protein predictors and evolutionary conservation, supports a deleterious effect; Has not been previously published as pathogenic or benign to our knowledge